The following is an entry in ClinVar:

ClinVar aggregate classification (germline): Conflicting classifications of pathogenicity. Review status: criteria provided, conflicting classifications (1 of 4 stars). 3 submissions from 3 submitters: Uncertain significance (1); Likely benign (2). Last evaluated 2025-10-13.

Conditions:
Developmental and epileptic encephalopathy, 42 (DEE42A). Also called: Epileptic encephalopathy, early infantile, 42; DEVELOPMENTAL AND EPILEPTIC ENCEPHALOPATHY 42A; EPILEPTIC ENCEPHALOPATHY, EARLY INFANTILE, 42A. Identifiers: MedGen C4310716, MONDO:0014917, OMIM 617106.
Episodic ataxia type 2 (EA2). Also called: ACETAZOLAMIDE-RESPONSIVE HEREDITARY PAROXYSMAL CEREBELLAR ATAXIA; ATAXIA, EPISODIC, WITH NYSTAGMUS; ATAXIA, FAMILIAL PAROXYSMAL; CEREBELLAR ATAXIA, PAROXYSMAL, ACETAZOLAMIDE-RESPONSIVE; CEREBELLOPATHY, HEREDITARY PAROXYSMAL; EPISODIC ATAXIA, NYSTAGMUS-ASSOCIATED. Identifiers: Orphanet 97, MedGen C1720416, MONDO:0007163, OMIM 108500.

Allele frequency attached by ClinVar (database versions not stated): TOPMed 0.00005; 1000 Genomes Project 30x 0.00016; 1000 Genomes Project 0.00020; gnomAD exomes 0.00022; gnomAD 0.00002; ExAC 0.00029.
gnomAD v4.1: 73 of 1,613,510 alleles (0.0045%); highest among the groups gnomAD compares: Admixed American, 0.068%; no homozygotes.

Submissions (3):

Labcorp Genetics (formerly Invitae), Labcorp
Classification: Likely benign for Developmental and epileptic encephalopathy, 42; Episodic ataxia type 2. Last evaluated: 2025-10-13. Review status: criteria provided, single submitter. Criteria: Invitae Variant Classification Sherloc (09022015). Collection method: clinical testing. Allele origin: germline.

GeneDx
Classification: Uncertain significance. Last evaluated: 2025-07-03. Review status: criteria provided, single submitter. Criteria: GeneDx Variant Classification Process June 2021. Collection method: clinical testing. Allele origin: germline. Affected: yes.
Comment: Reported previously, using alternate nomenclature, in a patient with benign paroxysmal torticollis of infancy; on follow-up, the patient did not develop migraines or other paroxysmal disorders (PMID: 29956301); In silico analysis suggests that this missense variant does not alter protein structure/function; This variant is associated with the following publications: (PMID: 29956301)

Athena Diagnostics
Classification: Likely benign. Last evaluated: 2019-12-23. Review status: criteria provided, single submitter. Criteria: Athena Diagnostics Criteria. Collection method: clinical testing. Allele origin: unknown.

NM_001127222.2(CACNA1A):c.5158G>A (p.Val1720Met)

Gene: CACNA1A (calcium voltage-gated channel subunit alpha1 A; minus strand). Cytogenetic location: 19p13.13.
Variant type: single nucleotide variant.
Coding change: c.5158G>A on transcript NM_001127222.2 (MANE Select); coding-DNA position 5158, G replaced by A.
Protein change: p.Val1720Met; replaces valine 1720 with methionine.
Molecular consequence: missense variant.
Genome position (GRCh38, 1-based): chr19:13,235,012, C>T on the plus strand (G>A on the coding strand, the complement: CACNA1A is on the minus strand). VCF-style: chr19-13235012-C-T. GRCh37 (hg19) VCF-style: chr19-13345826-C-T.
Other names: c.5176G>A, p.Val1726Met (NM_000068.4, NM_023035.3); c.5161G>A, p.Val1721Met (NM_001127221.2); c.5167G>A, p.Val1723Met (NM_001174080.2); short protein forms V1720M, V1721M, V1723M, V1726M.
Identifiers: ClinVar variation 995294 (VCV000995294.13), dbSNP rs537982877, ClinGen allele CA9239808.